The following is an entry in ClinVar:

ClinVar aggregate classification (germline): Conflicting classifications of pathogenicity. Review status: criteria provided, conflicting classifications (1 of 4 stars). 3 submissions from 3 submitters: Uncertain significance (1); Likely benign (2). Last evaluated 2024-01-27.

Conditions:
Arrhythmogenic cardiomyopathy with wooly hair and keratoderma. Also called: Arrhythmogenic cardiomyopathy with woolly hair and keratoderma; Carvajal syndrome; Dilated cardiomyopathy with woolly hair and keratoderma; PALMOPLANTAR KERATODERMA WITH LEFT VENTRICULAR CARDIOMYOPATHY AND WOOLLY HAIR. Identifiers: Orphanet 65282, MedGen C1854063, MONDO:0011581, OMIM 605676.
Arrhythmogenic right ventricular dysplasia 8 (ARVD8). Also called: Arrhythmogenic Right Ventricular Dysplasia/Cardiomyopathy 8; ARRHYTHMOGENIC RIGHT VENTRICULAR DYSPLASIA, FAMILIAL, 8; ARRHYTHMOGENIC RIGHT VENTRICULAR CARDIOMYOPATHY 8. Identifiers: MedGen C1843896, MONDO:0011831, OMIM 607450.
Cardiovascular phenotype. Identifiers: MedGen CN230736.

Allele frequency attached by ClinVar (database versions not stated): TOPMed below 0.00001.
gnomAD v4.1: 1 of 1,614,032 alleles (0.000062%); no homozygotes.

Submissions (3):

Labcorp Genetics (formerly Invitae), Labcorp
Classification: Likely benign for Arrhythmogenic cardiomyopathy with wooly hair and keratoderma; Arrhythmogenic right ventricular dysplasia 8. Last evaluated: 2024-01-27. Review status: criteria provided, single submitter. Criteria: Invitae Variant Classification Sherloc (09022015). Collection method: clinical testing. Allele origin: germline.

All of Us Research Program, National Institutes of Health
Classification: Uncertain significance for Arrhythmogenic cardiomyopathy with wooly hair and keratoderma. Last evaluated: 2023-06-08. Review status: criteria provided, single submitter. Criteria: ACMG Guidelines, 2015. Collection method: clinical testing. Allele origin: germline. Inheritance: Autosomal dominant inheritance. Observed: 1 variant allele, 1 heterozygote.
Comment: This variant is located in the DSP protein. To our knowledge, functional studies have not been reported for this variant. This variant has not been reported in individuals affected with DSP-related disorders in the literature. This variant has not been identified in the general population by the Genome Aggregation Database (gnomAD). The available evidence is insufficient to determine the role of this variant in disease conclusively. Therefore, this variant is classified as a Variant of Uncertain Significance.

This study involves interpretation of variants in research participants for the purpose of population health screening. Participant phenotype was not available at the time of variant classification. Additional details can be found in publication PMID: 35346344, PMCID: PMC8962531

Ambry Genetics
Classification: Likely benign for Cardiovascular phenotype. Last evaluated: 2021-04-07. Review status: criteria provided, single submitter. Criteria: Ambry Variant Classification Scheme 2023. Collection method: clinical testing. Allele origin: germline.

NM_004415.4(DSP):c.1380C>T (p.Pro460=)

Gene: DSP (desmoplakin; plus strand). Cytogenetic location: 6p24.3.
Variant type: single nucleotide variant.
Coding change: c.1380C>T on transcript NM_004415.4 (MANE Select); coding-DNA position 1380, C replaced by T.
Protein change: p.Pro460=; no amino-acid change (proline 460 retained).
Molecular consequence: synonymous variant.
Genome position (GRCh38, 1-based): chr6:7,568,550, C>T. VCF-style: chr6-7568550-C-T. GRCh37 (hg19) VCF-style: chr6-7568783-C-T.
Other names: c.1380C>T, p.Pro460= (NM_001008844.3, NM_001319034.2).
Identifiers: ClinVar variation 1153730 (VCV001153730.12), dbSNP rs1451086273, ClinGen allele CA448522083.
Genomic context (GRCh38, chr6:7,568,550, plus strand): 5'-CAAGTCTAAGAAGATTGTACAGCTGAAGCCTCGTAACCCAGACTACAGAAGCAATAAACC[C>T]ATTATTCTCAGAGCTCTCTGTGACTACAAACAAGATCAGGTGTGTACTCATTTAGAATGA-3'
Protein context (NP_004406.2, residues 450-470): PRNPDYRSNK[Pro460=]IILRALCDYK